The following is an entry in ClinVar:

NM_173689.7(CRB2):c.2050del (p.Leu684fs)

Gene: CRB2 (crumbs cell polarity complex component 2; plus strand). Cytogenetic location: 9q33.3.
Variant type: Deletion.
Coding change: c.2050del on transcript NM_173689.7 (MANE Select); coding-DNA position 2050, one base deleted (C; older notation c.2050delC).
Protein change: p.Leu684fs; shifts the reading frame from leucine 684.
Molecular consequence: frameshift variant. On other transcripts: non-coding transcript variant (1).
Genome position (GRCh38, 1-based): chr9:123,371,192, C deleted; the last of 2 consecutive C bases (chr9:123,371,191-123,371,192); deleting either gives the same sequence. VCF-style (leftmost placement, unchanged base first): chr9-123371190-GC-G. GRCh37 (hg19) VCF-style: chr9-126133469-GC-G.
Other names: short protein forms L684fs.
Identifiers: ClinVar variation 4856820 (VCV004856820.2).
Genomic context (GRCh38, chr9:123,371,190, plus strand): 5'-AAGAGCTGCCAGGTCCCAACCTCACAGTGTCTTTCCTTCTCCGCACTCGGGAGTCCGCTG[GC>G]CTGTTGCTCCAGTTTGCCAATGACTCCGCAGCTGGCCTAACAGTATTCCTGAGTGAGGGT-3'

ClinVar aggregate classification (germline): Likely pathogenic (1 of 4 stars; one submission).

Submission:

Dasa
Classification: Likely pathogenic. Last evaluated: 2024-11-06. Review status: criteria provided, single submitter. Criteria: DASA Assertion Criteria. Collection method: clinical testing. Allele origin: germline.
Comment: NM_173689.7(CRB2):c.2050del (p.Leu684Cysfs*13) is a frameshift variant in CRB2 predicted to alter the reading frame and introduce a premature termination codon and is predicted to result in an absent or altered protein product. Loss of function is an established disease mechanism for CRB2-associated disorders. Also, this variant is absent from population databases. Based on the currently available evidence, this variant is classified as likely pathogenic.